The following is an entry in ClinVar:

NM_206933.4(USH2A):c.10544A>G (p.Asp3515Gly)

Gene: USH2A (usherin; minus strand). Cytogenetic location: 1q41.
Variant type: single nucleotide variant.
Coding change: c.10544A>G on transcript NM_206933.4 (MANE Select); coding-DNA position 10544, A replaced by G.
Protein change: p.Asp3515Gly; replaces aspartic acid 3515 with glycine.
Molecular consequence: missense variant.
Genome position (GRCh38, 1-based): chr1:215,782,779, T>C on the plus strand (A>G on the coding strand, the complement: USH2A is on the minus strand). VCF-style: chr1-215782779-T-C. GRCh37 (hg19) VCF-style: chr1-215956121-T-C.
Other names: short protein forms D3515G.
Identifiers: ClinVar variation 143169 (VCV000143169.3), dbSNP rs527236119, ClinGen allele CA270133.

ClinVar aggregate classification (germline): Uncertain significance. Review status: criteria provided, single submitter (1 of 4 stars). 2 submissions from 2 submitters: Uncertain significance (1). 1 of the submissions does not count toward it. Last evaluated 2023-10-01.

Conditions:
Retinal dystrophy. Also called: Inherited retinal dystrophy. Identifiers: Orphanet 71862, MedGen C0854723, MeSH D058499, MONDO:0019118, HP:0000556.
Retinitis pigmentosa (RP). Identifiers: Orphanet 791, MedGen C0035334, MeSH D012174, MONDO:0019200, OMIM 268000. Inheritance: Autosomal dominant, autosomal recessive and X linked inheritance.

Submissions (2):

Dept Of Ophthalmology, Nagoya University
Classification: Uncertain significance for Retinal dystrophy. Last evaluated: 2023-10-01. Review status: criteria provided, single submitter. Criteria: Submitter's publication. Collection method: research. Allele origin: germline. Affected: yes.

Department of Ophthalmology and Visual Sciences Kyoto University
Classification: Pathogenic for Retinitis pigmentosa. Review status: no assertion criteria provided. Collection method: not provided. Allele origin: unknown. Not counted in ClinVar's aggregate classification.
ClinVar note: Converted during submission from pathogenic to Pathogenic.